The following is an entry in ClinVar:

NM_005529.7(HSPG2):c.5191C>T (p.Leu1731Phe)

Gene: HSPG2 (heparan sulfate proteoglycan 2; minus strand). Cytogenetic location: 1p36.12.
Variant type: single nucleotide variant.
Coding change: c.5191C>T on transcript NM_005529.7 (MANE Select); coding-DNA position 5191, C replaced by T.
Protein change: p.Leu1731Phe; replaces leucine 1731 with phenylalanine.
Molecular consequence: missense variant.
Genome position (GRCh38, 1-based): chr1:21,859,668, G>A on the plus strand (C>T on the coding strand, the complement: HSPG2 is on the minus strand). VCF-style: chr1-21859668-G-A. GRCh37 (hg19) VCF-style: chr1-22186161-G-A.
Other names: c.5194C>T, p.Leu1732Phe (NM_001291860.2); short protein forms L1731F, L1732F.
Identifiers: ClinVar variation 432467 (VCV000432467.16), dbSNP rs201491948, ClinGen allele CA672018.

ClinVar aggregate classification (germline): Conflicting classifications of pathogenicity. Review status: criteria provided, conflicting classifications (1 of 4 stars). 5 submissions from 5 submitters: Uncertain significance (3); Likely benign (2). Last evaluated 2026-01-15.

Conditions:
Lethal Kniest-like syndrome (DDSH). Also called: Dyssegmental Dysplasia. Identifiers: Orphanet 1865, MedGen C1857100, MONDO:0009140, OMIM 224410.
Schwartz-Jampel syndrome type 1 (SJS1). Also called: MYOTONIC MYOPATHY, DWARFISM, CHONDRODYSTROPHY, AND OCULAR AND FACIAL ABNORMALITIES; CHONDRODYSTROPHIC MYOTONIA. Identifiers: MedGen C4551479, MONDO:0100435, OMIM 255800.

Allele frequency attached by ClinVar (database versions not stated): ESP Exome Variant Server 0.00008; TOPMed 0.00010; gnomAD 0.00012 and 0.00013; gnomAD exomes 0.00016 and 0.00036; ExAC 0.00046.
gnomAD v4.1: 257 of 1,607,728 alleles (0.016%); highest among the groups gnomAD compares: South Asian, 0.068%; 1 homozygote.

Submissions (5):

Labcorp Genetics (formerly Invitae), Labcorp
Classification: Likely benign. Last evaluated: 2026-01-15. Review status: criteria provided, single submitter. Criteria: Invitae Variant Classification Sherloc (09022015). Collection method: clinical testing. Allele origin: germline.

Athena Diagnostics
Classification: Likely benign. Last evaluated: 2023-10-13. Review status: criteria provided, single submitter. Criteria: Athena Diagnostics Criteria. Collection method: clinical testing. Allele origin: unknown.

Department of Pathology and Laboratory Medicine, Sinai Health System
Classification: Uncertain significance for Lethal Kniest-like syndrome; Schwartz-Jampel syndrome type 1. Last evaluated: 2020-05-14. Review status: criteria provided, single submitter. Criteria: ACMG Guidelines, 2015. Collection method: research. Allele origin: germline.

Revvity Omics, Revvity
Classification: Uncertain significance. Last evaluated: 2019-01-22. Review status: criteria provided, single submitter. Criteria: ACMG Guidelines, 2015. Collection method: clinical testing. Allele origin: germline.

GeneDx
Classification: Uncertain significance. Last evaluated: 2017-06-12. Review status: criteria provided, single submitter. Criteria: GeneDx Variant Classification (06012015). Collection method: clinical testing. Allele origin: germline. Affected: yes.
Comment: The L1731F variant in the HSPG2 gene has not been reported previously as a pathogenic variant, nor as a benign variant, to our knowledge. This variant is observed in 12/12,160 alleles (0.99%) from individuals of South Asian background in the ExAC dataset, with no homozygous control individuals reported (Lek et al., 2016). The L1731F variant is a conservative amino acid substitution, which is not likely to impact secondary protein structure as these residues share similar properties. However, this substitution occurs at a position that is conserved across species, and in silico analysis predicts this variant is probably damaging to the protein structure/function. We interpret L1731F as a variant of uncertain significance.